The following is an entry in ClinVar:

NM_000458.4(HNF1B):c.1488C>T (p.Ala496=)

Gene: HNF1B (HNF1 homeobox B; minus strand). Cytogenetic location: 17q12.
Variant type: single nucleotide variant.
Coding change: c.1488C>T on transcript NM_000458.4 (MANE Select); coding-DNA position 1488, C replaced by T.
Protein change: p.Ala496=; no amino-acid change (alanine 496 retained).
Molecular consequence: synonymous variant. On other transcripts: intron variant (1).
Genome position (GRCh38, 1-based): chr17:37,701,029, G>A on the plus strand (C>T on the coding strand, the complement: HNF1B is on the minus strand). VCF-style: chr17-37701029-G-A. GRCh37 (hg19) VCF-style: chr17-36061034-G-A.
Other names: c.1488C>T (NM_000458.3); c.1410C>T, p.Ala470= (NM_001165923.4); c.1261+3888C>T (NM_001304286.2).
Identifiers: ClinVar variation 500489 (VCV000500489.10), dbSNP rs773569563, ClinGen allele CA8518823.

ClinVar aggregate classification (germline): Conflicting classifications of pathogenicity. Review status: criteria provided, conflicting classifications (1 of 4 stars). 4 submissions from 4 submitters: Uncertain significance (1); Benign (2). 1 of the submissions does not count toward it. Last evaluated 2026-01-13.

Conditions:
HNF1B-related disorder. Also called: HNF1B-related condition; HNF1B-related disorders.
Maturity-onset diabetes of the young (MODY). Also called: Maturity onset diabetes mellitus in young. Identifiers: Orphanet 552, MedGen C0342276, MONDO:0018911, HP:0004904.

Allele frequency attached by ClinVar (database versions not stated): gnomAD below 0.00001 and 0.00002; gnomAD exomes 0.00005 and 0.00013; ExAC 0.00039.
gnomAD v4.1: 67 of 1,557,236 alleles (0.0043%); highest among the groups gnomAD compares: South Asian, 0.079%; 2 homozygotes.

Submissions (4):

Labcorp Genetics (formerly Invitae), Labcorp
Classification: Benign. Last evaluated: 2026-01-13. Review status: criteria provided, single submitter. Criteria: Invitae Variant Classification Sherloc (09022015). Collection method: clinical testing. Allele origin: germline.

Eurofins Ntd Llc (ga)
Classification: Uncertain significance. Last evaluated: 2017-02-20. Review status: criteria provided, single submitter. Criteria: EGL Classification Definitions 2015. Collection method: clinical testing. Allele origin: germline. Observed: 1 variant allele, 1 heterozygote.

Clinical Genomics, Uppaluri K&H Personalized Medicine Clinic
Classification: Benign for Maturity-onset diabetes of the young. Review status: criteria provided, single submitter. Criteria: K & H Uppaluri Personalized Medicine Clinic Variant Classification & Assertion Criteria_Updated V.1. Collection method: research. Allele origin: unknown. Inheritance: Autosomal dominant inheritance.
Comment: HNF1B gene mutations are associated with early onset diabetes and pancreatic atrophy. It is also associated with multiple renal manifestations including renal cysts, Tubulointerstitial disease, glomerulocystic disease, renal hypoplasia, hypomagnesemia. However no sufficient evidence is found to ascertain the role of this particular variant rs773569563, yet.

PreventionGenetics, part of Exact Sciences
Classification: Likely benign for HNF1B-related condition. Last evaluated: 2022-08-09. Review status: no assertion criteria provided. Collection method: clinical testing. Allele origin: germline. Not counted in ClinVar's aggregate classification.
Comment: This variant is classified as likely benign based on ACMG/AMP sequence variant interpretation guidelines (Richards et al. 2015 PMID: 25741868, with internal and published modifications).

Literature cited by the submitters: PubMed 24897035 (cited by Clinical Genomics, Uppaluri K&H Personalized Medicine Clinic); PubMed 25536396 (cited by Clinical Genomics, Uppaluri K&H Personalized Medicine Clinic); PubMed 27615128 (cited by Clinical Genomics, Uppaluri K&H Personalized Medicine Clinic); PubMed 28215227 (cited by Clinical Genomics, Uppaluri K&H Personalized Medicine Clinic); PubMed 33434175 (cited by Clinical Genomics, Uppaluri K&H Personalized Medicine Clinic); PubMed 25741167 (cited by Clinical Genomics, Uppaluri K&H Personalized Medicine Clinic); PubMed 26340261 (cited by Clinical Genomics, Uppaluri K&H Personalized Medicine Clinic); PubMed 19639018 (cited by Clinical Genomics, Uppaluri K&H Personalized Medicine Clinic).